The following is an entry in ClinVar:

NM_004006.3(DMD):c.699_703dup (p.Leu235fs)

Gene: DMD (dystrophin; minus strand). Cytogenetic location: Xp21.1.
Variant type: Microsatellite.
Coding change: c.699_703dup on transcript NM_004006.3 (MANE Select); coding-DNA positions 699 to 703, 5 bases duplicated (ATCAC; older notation c.699_703dupATCAC).
Protein change: p.Leu235fs; shifts the reading frame from leucine 235.
Molecular consequence: frameshift variant.
Genome position (GRCh38, 1-based): chrX:32,699,240-32,699,244, GTGAT duplicated on the plus strand (ATCAC on the coding strand, the reverse complement: DMD is on the minus strand); duplicating any 5 consecutive bases within chrX:32,699,240-32,699,251 gives the same sequence; the c. name uses the placement nearest the transcript's 3' end. VCF-style (leftmost placement, unchanged base first): chrX-32699239-A-AGTGAT. GRCh37 (hg19) VCF-style: chrX-32717356-A-AGTGAT.
Other names: c.675_679dup, p.Leu227fs (NM_000109.4); c.687_691dup, p.Leu231fs (NM_004009.3); c.330_334dup, p.Leu112fs (NM_004010.3); short protein forms L112fs, L235fs, L231fs, L227fs.
Identifiers: ClinVar variation 575031 (VCV000575031.7), dbSNP rs1569469298, ClinGen allele CA891844211.

ClinVar aggregate classification (germline): Pathogenic (1 of 4 stars; one submission).

Conditions:
Duchenne muscular dystrophy (DMD). Also called: MUSCULAR DYSTROPHY, PSEUDOHYPERTROPHIC PROGRESSIVE, DUCHENNE TYPE; Duchenne Muscular Dystrophy (DMD). Identifiers: Orphanet 98896, MedGen C0013264, MONDO:0010679, OMIM 310200.

Submission:

Labcorp Genetics (formerly Invitae), Labcorp
Classification: Pathogenic for Duchenne muscular dystrophy. Last evaluated: 2022-06-20. Review status: criteria provided, single submitter. Criteria: Invitae Variant Classification Sherloc (09022015). Collection method: clinical testing. Allele origin: germline.
Comment: For these reasons, this variant has been classified as Pathogenic. This variant has not been reported in the literature in individuals affected with DMD-related conditions. This variant is not present in population databases (gnomAD no frequency). This sequence change creates a premature translational stop signal (p.Leu235Hisfs*11) in the DMD gene. It is expected to result in an absent or disrupted protein product. Loss-of-function variants in DMD are known to be pathogenic (PMID: 16770791, 25007885).

Literature cited by the submitters: PubMed 16770791; PubMed 25007885.